The following is an entry in ClinVar:

ClinVar aggregate classification (germline): Uncertain significance. Review status: criteria provided, multiple submitters, no conflicts (2 of 4 stars). 2 submissions from 2 submitters: Uncertain significance (2). Last evaluated 2021-09-28.

Conditions:
Choanal atresia-hearing loss-cardiac defects-craniofacial dysmorphism syndrome (BMKS). Also called: Burn-McKeown Syndrome (BMKS); OCULOOTOFACIAL DYSPLASIA; Burn-McKeown syndrome; Branchio oculo facial syndrome Hing type. Identifiers: Orphanet 1200, MedGen C1837822, MONDO:0012064, OMIM 608572.

Allele frequency attached by ClinVar (database versions not stated): gnomAD exomes below 0.00001; gnomAD 0.00003; TOPMed 0.00003; ESP Exome Variant Server 0.00015.
gnomAD v4.1: 11 of 1,598,770 alleles (0.00069%); highest among the groups gnomAD compares: African/African-American, 0.012%; no homozygotes.

Submissions (2):

Fulgent Genetics
Classification: Uncertain significance for Choanal atresia-hearing loss-cardiac defects-craniofacial dysmorphism syndrome. Last evaluated: 2021-09-28. Review status: criteria provided, single submitter. Criteria: ACMG Guidelines, 2015. Collection method: clinical testing. Allele origin: unknown.

Baylor Genetics
Classification: Uncertain significance for Choanal atresia-hearing loss-cardiac defects-craniofacial dysmorphism syndrome. Last evaluated: 2019-08-03. Review status: criteria provided, single submitter. Criteria: ACMG Guidelines, 2015. Collection method: clinical testing. Allele origin: unknown. Affected: yes.
Comment: This variant was determined to be of uncertain significance according to ACMG Guidelines, 2015 [PMID:25741868].

NM_006701.5(TXNL4A):c.74T>A (p.Val25Glu)

Gene: TXNL4A (thioredoxin like 4A; minus strand). Cytogenetic location: 18q23.
Variant type: single nucleotide variant.
Coding change: c.74T>A on transcript NM_006701.5 (MANE Select); coding-DNA position 74, T replaced by A.
Protein change: p.Val25Glu; replaces valine 25 with glutamic acid.
Molecular consequence: missense variant. On other transcripts: 5 prime UTR variant (1), non-coding transcript variant (3), intron variant (2).
Genome position (GRCh38, 1-based): chr18:79,988,319, A>T on the plus strand (T>A on the coding strand, the complement: TXNL4A is on the minus strand). VCF-style: chr18-79988319-A-T. GRCh37 (hg19) VCF-style: chr18-77748319-A-T.
Other names: c.-193T>A (NM_001303471.3); c.74T>A, p.Val25Glu (NM_001305557.2); c.-60-10618T>A (NM_001305564.2, NM_001305563.2); short protein forms V25E.
Identifiers: ClinVar variation 1030130 (VCV001030130.2), dbSNP rs142690672, ClinGen allele CA303814962.